The following is an entry in ClinVar:

ClinVar aggregate classification (germline): Uncertain significance. Review status: criteria provided, multiple submitters, no conflicts (2 of 4 stars). 3 submissions from 3 submitters: Uncertain significance (3). Last evaluated 2025-12-15.

Conditions:
Dilated cardiomyopathy 1W (CMD1W). Identifiers: Orphanet 154, MedGen C1969639, MONDO:0012667, OMIM 611407.
Hypertrophic cardiomyopathy 15. Identifiers: MedGen C2750459, MONDO:0013200, OMIM 613255.

Allele frequency attached by ClinVar (database versions not stated): TOPMed 0.00001.
gnomAD v4.1: 29 of 1,612,208 alleles (0.0018%); highest among the groups gnomAD compares: Non-Finnish European, 0.0025%; no homozygotes.

Submissions (3):

Labcorp Genetics (formerly Invitae), Labcorp
Classification: Uncertain significance for Dilated cardiomyopathy 1W. Last evaluated: 2025-12-15. Review status: criteria provided, single submitter. Criteria: Invitae Variant Classification Sherloc (09022015). Collection method: clinical testing. Allele origin: germline.
Comment: This sequence change falls in intron 14 of the VCL gene. It does not directly change the encoded amino acid sequence of the VCL protein. It affects a nucleotide within the consensus splice site. This variant is not present in population databases (gnomAD no frequency). This variant has not been reported in the literature in individuals affected with VCL-related conditions. ClinVar contains an entry for this variant (Variation ID: 408955). Variants that disrupt the consensus splice site are a relatively common cause of aberrant splicing (PMID: 17576681, 9536098). Algorithms developed to predict the effect of sequence changes on RNA splicing suggest that this variant is not likely to affect RNA splicing. In summary, the available evidence is currently insufficient to determine the role of this variant in disease. Therefore, it has been classified as a Variant of Uncertain Significance.

Fulgent Genetics
Classification: Uncertain significance for Dilated cardiomyopathy 1W; Hypertrophic cardiomyopathy 15. Last evaluated: 2021-10-13. Review status: criteria provided, single submitter. Criteria: ACMG Guidelines, 2015. Collection method: clinical testing. Allele origin: unknown.

Blueprint Genetics
Classification: Uncertain significance. Last evaluated: 2021-10-11. Review status: criteria provided, single submitter. Criteria: ACMG Guidelines, 2015. Collection method: clinical testing. Allele origin: germline.

Literature cited by the submitters: PubMed 17576681 (cited by Labcorp Genetics (formerly Invitae), Labcorp); PubMed 9536098 (cited by Labcorp Genetics (formerly Invitae), Labcorp).

NM_014000.3(VCL):c.2022+5G>T

Gene: VCL (vinculin; plus strand). Cytogenetic location: 10q22.2.
Variant type: single nucleotide variant.
Coding change: c.2022+5G>T on transcript NM_014000.3 (MANE Select); 5 bases into the intron after coding-DNA position 2022, G replaced by T.
Molecular consequence: intron variant.
Genome position (GRCh38, 1-based): chr10:74,101,102, G>T. VCF-style: chr10-74101102-G-T. GRCh37 (hg19) VCF-style: chr10-75860860-G-T.
Other names: c.2022+5G>T (NM_003373.4).
Identifiers: ClinVar variation 408955 (VCV000408955.5), dbSNP rs1050797785, ClinGen allele CA16613161.